The following is an entry in ClinVar:

NM_000821.7(GGCX):c.1076G>A (p.Arg359His)

Gene: GGCX (gamma-glutamyl carboxylase; minus strand). Cytogenetic location: 2p11.2.
Variant type: single nucleotide variant.
Coding change: c.1076G>A on transcript NM_000821.7 (MANE Select); coding-DNA position 1076, G replaced by A.
Protein change: p.Arg359His; replaces arginine 359 with histidine.
Molecular consequence: missense variant.
Genome position (GRCh38, 1-based): chr2:85,553,311, C>T on the plus strand (G>A on the coding strand, the complement: GGCX is on the minus strand). VCF-style: chr2-85553311-C-T. GRCh37 (hg19) VCF-style: chr2-85780434-C-T.
Other names: c.905G>A, p.Arg302His (NM_001142269.4); short protein forms R359H, R302H.
Identifiers: ClinVar variation 1385533 (VCV001385533.6), dbSNP rs200774203, ClinGen allele CA1741939.
Genomic context (GRCh38, chr2:85,553,311, plus strand): 5'-TAGGGCAGGAATAGCTGCTCCAGGAGGTAGAGCAGGGTGAAGGCAGCTCCCAGCTGATGG[C>T]GCAGCCCTGGCTTCTGGCCACTTTTGCCCCGGCTCCTCTTATACACACAGGAAACACTGG-3'
Protein context (NP_000812.2, residues 349-369): RGKSGQKPGL[Arg359His]HQLGAAFTLL

ClinVar aggregate classification (germline): Uncertain significance (1 of 4 stars; one submission).

Allele frequency attached by ClinVar (database versions not stated): ExAC 0.00003; gnomAD exomes 0.00004 and 0.00009; TOPMed 0.00004; gnomAD 0.00005 and 0.00006.
gnomAD v4.1: 135 of 1,614,038 alleles (0.0084%); highest among the groups gnomAD compares: Non-Finnish European, 0.011%; no homozygotes.

Submission:

Labcorp Genetics (formerly Invitae), Labcorp
Classification: Uncertain significance. Last evaluated: 2026-01-21. Review status: criteria provided, single submitter. Criteria: Invitae Variant Classification Sherloc (09022015). Collection method: clinical testing. Allele origin: germline.
Comment: This sequence change replaces arginine, which is basic and polar, with histidine, which is basic and polar, at codon 359 of the GGCX protein (p.Arg359His). This variant is present in population databases (rs200774203, gnomAD 0.007%). This variant has not been reported in the literature in individuals affected with GGCX-related conditions. ClinVar contains an entry for this variant (Variation ID: 1385533). Invitae Evidence Modeling of protein sequence and biophysical properties (such as structural, functional, and spatial information, amino acid conservation, physicochemical variation, residue mobility, and thermodynamic stability) indicates that this missense variant is not expected to disrupt GGCX protein function with a negative predictive value of 80%. In summary, the available evidence is currently insufficient to determine the role of this variant in disease. Therefore, it has been classified as a Variant of Uncertain Significance.